The following is an entry in ClinVar:

NM_022047.4(DEF6):c.86C>G (p.Ser29Cys)

Gene: DEF6 (DEF6 guanine nucleotide exchange factor; plus strand). Cytogenetic location: 6p21.31.
Variant type: single nucleotide variant.
Coding change: c.86C>G on transcript NM_022047.4 (MANE Select); coding-DNA position 86, C replaced by G.
Protein change: p.Ser29Cys; replaces serine 29 with cysteine.
Molecular consequence: missense variant.
Genome position (GRCh38, 1-based): chr6:35,297,942, C>G. VCF-style: chr6-35297942-C-G. GRCh37 (hg19) VCF-style: chr6-35265719-C-G.
Other names: short protein forms S29C.
Identifiers: ClinVar variation 2711458 (VCV002711458.3), dbSNP rs1190132582, ClinGen allele CA363759816.

ClinVar aggregate classification (germline): Uncertain significance (1 of 4 stars; one submission).

Allele frequency attached by ClinVar (database versions not stated): TOPMed below 0.00001.

Submission:

Labcorp Genetics (formerly Invitae), Labcorp
Classification: Uncertain significance. Last evaluated: 2024-01-25. Review status: criteria provided, single submitter. Criteria: Invitae Variant Classification Sherloc (09022015). Collection method: clinical testing. Allele origin: germline.
Comment: This sequence change replaces serine, which is neutral and polar, with cysteine, which is neutral and slightly polar, at codon 29 of the DEF6 protein (p.Ser29Cys). This variant is not present in population databases (gnomAD no frequency). This variant has not been reported in the literature in individuals affected with DEF6-related conditions. An algorithm developed to predict the effect of missense changes on protein structure and function (PolyPhen-2) suggests that this variant is likely to be disruptive. In summary, the available evidence is currently insufficient to determine the role of this variant in disease. Therefore, it has been classified as a Variant of Uncertain Significance.